The following is an entry in ClinVar:

NM_024580.6(EFL1):c.1499_1506del (p.Asn500fs)

Gene: EFL1 (elongation factor like GTPase 1; minus strand). Cytogenetic location: 15q25.2.
Variant type: Deletion.
Coding change: c.1499_1506del on transcript NM_024580.6 (MANE Select); coding-DNA positions 1499 to 1506, 8 bases deleted (ACAACCAA; older notation c.1499_1506delACAACCAA).
Protein change: p.Asn500fs; shifts the reading frame from asparagine 500.
Molecular consequence: frameshift variant. On other transcripts: non-coding transcript variant (1).
Genome position (GRCh38, 1-based): chr15:82,219,757-82,219,764, TTGGTTGT deleted on the plus strand (ACAACCAA on the coding strand, the reverse complement: EFL1 is on the minus strand); deleting any 8 consecutive bases within chr15:82,219,757-82,219,766 gives the same sequence; the c. name uses the placement nearest the transcript's 3' end. VCF-style (leftmost placement, unchanged base first): chr15-82219756-CTTGGTTGT-C. GRCh37 (hg19) VCF-style: chr15-82512097-CTTGGTTGT-C.
Other names: c.1346_1353del, p.Asn449fs (NM_001040610.3); c.710_717del, p.Asn237fs (NM_001322844.2); c.1499_1506del, p.Asn500fs (NM_001322845.2); short protein forms N237fs, N500fs, N449fs.
Identifiers: ClinVar variation 2094274 (VCV002094274.4), dbSNP rs2505472339, ClinGen allele CA2580090074.

ClinVar aggregate classification (germline): Uncertain significance (1 of 4 stars; one submission).

Submission:

Labcorp Genetics (formerly Invitae), Labcorp
Classification: Uncertain significance. Last evaluated: 2022-05-03. Review status: criteria provided, single submitter. Criteria: Invitae Variant Classification Sherloc (09022015). Collection method: clinical testing. Allele origin: germline.
Comment: In summary, the available evidence is currently insufficient to determine the role of this variant in disease. Therefore, it has been classified as a Variant of Uncertain Significance. This variant has not been reported in the literature in individuals affected with EFL1-related conditions. This variant is not present in population databases (gnomAD no frequency). This sequence change creates a premature translational stop signal (p.Asn500Argfs*31) in the EFL1 gene. It is expected to result in an absent or disrupted protein product. However, the current clinical and genetic evidence is not sufficient to establish whether loss-of-function variants in EFL1 cause disease.